The following is an entry in ClinVar:

ClinVar aggregate classification (germline): Likely pathogenic. Review status: criteria provided, single submitter (1 of 4 stars). 2 submissions from 2 submitters: Likely pathogenic (1). 1 of the submissions does not count toward it. Last evaluated 2020-02-14.

Conditions:
Neurodevelopmental disorder with microcephaly, arthrogryposis, and structural brain anomalies. Identifiers: Orphanet 664923, MedGen C5231431, MONDO:0032838, OMIM 618622.

Submissions (2):

SIB Swiss Institute of Bioinformatics
Classification: Likely pathogenic for Neurodevelopmental disorder with microcephaly, arthrogryposis, and structural brain anomalies. Last evaluated: 2020-02-14. Review status: criteria provided, single submitter. Criteria: ACMG Guidelines, 2015. Collection method: curation. Allele origin: unknown.
Comment: This variant is interpreted as likely pathogenic for Neurodevelopmental disorder with microcephaly, arthrogryposis, and structural brain anomalies, autosomal recessive. The following ACMG Tag(s) were applied: PM2, PVS1-Strong, PM3, PP1.

OMIM
Classification: Pathogenic for NEURODEVELOPMENTAL DISORDER WITH MICROCEPHALY, ARTHROGRYPOSIS, AND STRUCTURAL BRAIN ANOMALIES. Last evaluated: 2019-10-16. Review status: no assertion criteria provided. Collection method: literature only. Allele origin: germline. Not counted in ClinVar's aggregate classification.

Literature cited by the submitters: PubMed 31495489 (cited by SIB Swiss Institute of Bioinformatics and OMIM).

NM_017951.5(SMPD4):c.82C>T (p.Gln28Ter)

Gene: SMPD4 (sphingomyelin phosphodiesterase 4; minus strand). Cytogenetic location: 2q21.1.
Variant type: single nucleotide variant.
Coding change: c.82C>T on transcript NM_017951.5 (MANE Select); coding-DNA position 82, C replaced by T.
Protein change: p.Gln28Ter; replaces glutamine 28 with a stop codon.
Molecular consequence: nonsense. On other transcripts: non-coding transcript variant (2).
Genome position (GRCh38, 1-based): chr2:130,174,958, G>A on the plus strand (C>T on the coding strand, the complement: SMPD4 is on the minus strand). VCF-style: chr2-130174958-G-A. GRCh37 (hg19) VCF-style: chr2-130932531-G-A.
Other names: c.199C>T, p.Gln67Ter (NM_001171083.2, NM_017751.4); short protein forms Q67*, Q28*.
Identifiers: ClinVar variation 691971 (VCV000691971.2), dbSNP rs1573728266, ClinGen allele CA348481222.